The following is an entry in ClinVar:

NM_198253.3(TERT):c.769G>A (p.Ala257Thr)

Gene: TERT (telomerase reverse transcriptase; minus strand). Cytogenetic location: 5p15.33.
Variant type: single nucleotide variant.
Coding change: c.769G>A on transcript NM_198253.3 (MANE Select); coding-DNA position 769, G replaced by A.
Protein change: p.Ala257Thr; replaces alanine 257 with threonine.
Molecular consequence: missense variant. On other transcripts: non-coding transcript variant (2).
Genome position (GRCh38, 1-based): chr5:1,294,117, C>T on the plus strand (G>A on the coding strand, the complement: TERT is on the minus strand). VCF-style: chr5-1294117-C-T. GRCh37 (hg19) VCF-style: chr5-1294232-C-T.
Other names: c.769G>A, p.Ala257Thr (NM_001193376.3); short protein forms A257T.
Identifiers: ClinVar variation 4561148 (VCV004561148.1).

ClinVar aggregate classification (germline): Uncertain significance (1 of 4 stars; one submission).

Conditions:
Dyskeratosis congenita. Identifiers: Orphanet 1775, MedGen C0265965, MONDO:0015780.

Submission:

Ambry Genetics
Classification: Uncertain significance for Dyskeratosis congenita. Last evaluated: 2025-10-14. Review status: criteria provided, single submitter. Criteria: Ambry Variant Classification Scheme 2023. Collection method: clinical testing. Allele origin: germline.
Comment: The p.A257T variant (also known as c.769G>A), located in coding exon 2 of the TERT gene, results from a G to A substitution at nucleotide position 769. The alanine at codon 257 is replaced by threonine, an amino acid with similar properties. This amino acid position is conserved. In addition, this alteration is predicted to be tolerated by in silico analysis. Based on the available evidence, the clinical significance of this variant remains unclear.